The following is an entry in ClinVar:

NM_020458.4(TTC7A):c.2416G>A (p.Val806Met)

Gene: TTC7A (tetratricopeptide repeat domain 7A; plus strand). Cytogenetic location: 2p21.
Variant type: single nucleotide variant.
Coding change: c.2416G>A on transcript NM_020458.4 (MANE Select); coding-DNA position 2416, G replaced by A.
Protein change: p.Val806Met; replaces valine 806 with methionine.
Molecular consequence: missense variant.
Genome position (GRCh38, 1-based): chr2:47,073,762, G>A. VCF-style: chr2-47073762-G-A. GRCh37 (hg19) VCF-style: chr2-47300901-G-A.
Other names: c.2416G>A (NM_020458.2); c.2488G>A, p.Val830Met (NM_001288951.2); c.2314G>A, p.Val772Met (NM_001288953.2); c.1354G>A, p.Val452Met (NM_001288955.2); short protein forms V452M, V772M, V806M, V830M.
Identifiers: ClinVar variation 1018177 (VCV001018177.8), dbSNP rs777208348, ClinGen allele CA1648154.

ClinVar aggregate classification (germline): Uncertain significance. Review status: criteria provided, multiple submitters, no conflicts (2 of 4 stars). 2 submissions from 2 submitters: Uncertain significance (2). Last evaluated 2025-09-01.

Conditions:
Multiple gastrointestinal atresias. Also called: Multiple intestinal atresia; FAMILIAL INTESTINAL POLYATRESIA SYNDROME. Identifiers: Orphanet 2300, MedGen C0220744, MONDO:0009465.
Inborn genetic diseases. Identifiers: MedGen C0950123, MeSH D030342.

Allele frequency attached by ClinVar (database versions not stated): TOPMed 0.00001; ExAC 0.00001; gnomAD 0.00001.
gnomAD v4.1: 22 of 1,613,758 alleles (0.0014%); highest among the groups gnomAD compares: East Asian, 0.0022%; no homozygotes.

Submissions (2):

Ambry Genetics
Classification: Uncertain significance for Inborn genetic diseases. Last evaluated: 2025-09-01. Review status: criteria provided, single submitter. Criteria: Ambry Variant Classification Scheme 2023. Collection method: clinical testing. Allele origin: germline.

Labcorp Genetics (formerly Invitae), Labcorp
Classification: Uncertain significance for Multiple gastrointestinal atresias. Last evaluated: 2022-07-26. Review status: criteria provided, single submitter. Criteria: Invitae Variant Classification Sherloc (09022015). Collection method: clinical testing. Allele origin: germline.
Comment: This sequence change replaces valine, which is neutral and non-polar, with methionine, which is neutral and non-polar, at codon 806 of the TTC7A protein (p.Val806Met). This variant is present in population databases (rs777208348, gnomAD 0.005%). This variant has not been reported in the literature in individuals affected with TTC7A-related conditions. ClinVar contains an entry for this variant (Variation ID: 1018177). Algorithms developed to predict the effect of missense changes on protein structure and function are either unavailable or do not agree on the potential impact of this missense change (SIFT: "Deleterious"; PolyPhen-2: "Probably Damaging"; Align-GVGD: "Class C0"). In summary, the available evidence is currently insufficient to determine the role of this variant in disease. Therefore, it has been classified as a Variant of Uncertain Significance.